The following is an entry in ClinVar:

ClinVar aggregate classification (germline): Likely pathogenic (1 of 4 stars; one submission).

Conditions:
Hematuria. Identifiers: MedGen C0018965, HP:0000790.

Submission:

Genetics Laboratory, Great Ormond Street Hospital NHS Foundation Trust, North Thames Genomic Laboratory Hub
Classification: Likely pathogenic for Haematuria. Last evaluated: 2026-07-16. Review status: criteria provided, single submitter. Criteria: ACGS Best Practice Guidelines for Variant Classification in Rare Disease 2024 v1.2. Collection method: clinical testing. Allele origin: germline. Affected: yes.
Comment: PM2_moderate, PP3_supporting, PP1_supporting, PP4_moderate

NM_033380.3(COL4A5):c.4630T>G (p.Trp1544Gly)

Gene: COL4A5 (collagen type IV alpha 5 chain; plus strand). Cytogenetic location: Xq22.3.
Variant type: single nucleotide variant.
Coding change: c.4630T>G on transcript NM_033380.3 (MANE Select); coding-DNA position 4630, T replaced by G.
Protein change: p.Trp1544Gly; replaces tryptophan 1544 with glycine.
Molecular consequence: missense variant.
Genome position (GRCh38, 1-based): chrX:108,692,849, T>G. VCF-style: chrX-108692849-T-G. GRCh37 (hg19) VCF-style: chrX-107936079-T-G.
Other names: c.4612T>G, p.Trp1538Gly (NM_000495.5); short protein forms W1538G, W1544G.
Identifiers: ClinVar variation 4814238 (VCV004814238.2).
Genomic context (GRCh38, chrX:108,692,849, plus strand): 5'-TTCATGTTCTGCAACATCAATAATGTTTGCAACTTTGCTTCAAGAAATGACTATTCTTAC[T>G]GGCTCTCTACCCCAGAGCCCATGCCAATGAGCATGCAACCCCTAAAGGGCCAGAGCATCC-3'
Protein context (NP_203699.1, residues 1534-1554): NFASRNDYSY[Trp1544Gly]LSTPEPMPMS